The following is an entry in ClinVar:

ClinVar aggregate classification (germline): Likely pathogenic (1 of 4 stars; one submission).

Conditions:
Oligosynaptic infertility (SPGF1). Also called: SPERMATOGENIC FAILURE 1; OLIGOCHIASMATIC INFERTILITY. Identifiers: MedGen C0403810, MONDO:0009776, OMIM 258150.

Submission:

MVZ Medizinische Genetik Mainz
Classification: Likely pathogenic for Oligosynaptic infertility. Last evaluated: 2024-05-06. Review status: criteria provided, single submitter. Criteria: UK Practice Guidelines For Variant Classification V4 01 2020. Collection method: clinical testing. Allele origin: germline. Inheritance: Autosomal dominant inheritance. Affected: yes. Observed: 1 variant allele.
Comment: ACMG Criteria: PVS1,PM2_SUP

NM_014258.4(SYCP2):c.1593_1594del (p.Asn531fs)

Gene: SYCP2 (synaptonemal complex protein 2; minus strand). Cytogenetic location: 20q13.33.
Variant type: Deletion.
Coding change: c.1593_1594del on transcript NM_014258.4 (MANE Select); coding-DNA positions 1593 to 1594, 2 bases deleted (TA; older notation c.1593_1594delTA).
Protein change: p.Asn531fs; shifts the reading frame from asparagine 531.
Molecular consequence: frameshift variant.
Genome position (GRCh38, 1-based): chr20:59,895,508-59,895,509, TA deleted on the plus strand (TA on the coding strand, the reverse complement: SYCP2 is on the minus strand); deleting any 2 consecutive bases within chr20:59,895,508-59,895,510 gives the same sequence; the c. name uses the placement nearest the transcript's 3' end. VCF-style (leftmost placement, unchanged base first): chr20-59895507-CTA-C. GRCh37 (hg19) VCF-style: chr20-58470562-CTA-C.
Other names: short protein forms N531fs.
Identifiers: ClinVar variation 3256632 (VCV003256632.1).